The following is an entry in ClinVar:

ClinVar aggregate classification (germline): Uncertain significance (1 of 4 stars; one submission).

gnomAD v4.1: 4 of 1,613,780 alleles (0.00025%); highest among the groups gnomAD compares: Non-Finnish European, 0.00034%; no homozygotes.

Submission:

Ambry Genetics
Classification: Uncertain significance. Last evaluated: 2025-02-02. Review status: criteria provided, single submitter. Criteria: Ambry Variant Classification Scheme 2023. Collection method: clinical testing. Allele origin: germline.
Comment: The p.T396A variant (also known as c.1186A>G), located in coding exon 1 of the TET2 gene, results from an A to G substitution at nucleotide position 1186. The threonine at codon 396 is replaced by alanine, an amino acid with similar properties. This amino acid position is conserved. In addition, this alteration is predicted to be tolerated by in silico analysis. Based on the available evidence, the clinical significance of this variant remains unclear.

NM_001127208.3(TET2):c.1186A>G (p.Thr396Ala)

Genes: TET2-AS1 (TET2 antisense RNA 1; minus strand), TET2 (tet methylcytosine dioxygenase 2; plus strand). Cytogenetic location: 4q24.
Variant type: single nucleotide variant.
Coding change: c.1186A>G on transcript NM_001127208.3 (MANE Select); coding-DNA position 1186, A replaced by G.
Protein change: p.Thr396Ala; replaces threonine 396 with alanine.
Molecular consequence: missense variant.
Genome position (GRCh38, 1-based): chr4:105,235,128, A>G. VCF-style: chr4-105235128-A-G. GRCh37 (hg19) VCF-style: chr4-106156285-A-G.
Other names: c.1186A>G, p.Thr396Ala (NM_017628.4); short protein forms T396A.
Identifiers: ClinVar variation 3806021 (VCV003806021.1).